The following is an entry in ClinVar:

ClinVar aggregate classification (germline): Pathogenic (1 of 4 stars; one submission).

Submission:

GeneDx
Classification: Pathogenic. Last evaluated: 2017-02-24. Review status: criteria provided, single submitter. Criteria: GeneDx Variant Classification (06012015). Collection method: clinical testing. Allele origin: germline. Affected: yes.
Comment: The I246T variant in the GABRB2 gene has not been reported previously as a pathogenic variant nor as a benign variant, to our knowledge. However, I246T has been observed at GeneDx as a de novo variant with confirmed parentage in unrelated patients with infantile-onset epilepsy and developmental delay. The I246T variant is not observed in large population cohorts (Lek et al., 2016; 1000 Genomes Consortium et al., 2015; Exome Variant Server). The I246T variant is a non-conservative amino acid substitution that occurs at a position that is conserved across species. In silico analysis predicts this variant is probably damaging to the protein structure/function. Therefore, we interpret I246T as a pathogenic variant.

NM_001371727.1(GABRB2):c.737T>C (p.Ile246Thr)

Gene: GABRB2 (gamma-aminobutyric acid type A receptor subunit beta2; minus strand). Cytogenetic location: 5q34.
Variant type: single nucleotide variant.
Coding change: c.737T>C on transcript NM_001371727.1 (MANE Select); coding-DNA position 737, T replaced by C.
Protein change: p.Ile246Thr; replaces isoleucine 246 with threonine.
Molecular consequence: missense variant.
Genome position (GRCh38, 1-based): chr5:161,334,847, A>G on the plus strand (T>C on the coding strand, the complement: GABRB2 is on the minus strand). VCF-style: chr5-161334847-A-G. GRCh37 (hg19) VCF-style: chr5-160761854-A-G.
Other names: c.737T>C, p.Ile246Thr (NM_000813.3, NM_021911.3); short protein forms I246T.
Identifiers: ClinVar variation 418957 (VCV000418957.2), dbSNP rs1064793551, ClinGen allele CA16618152.